The following is an entry in ClinVar:

ClinVar aggregate classification (germline): Conflicting classifications of pathogenicity. Review status: criteria provided, conflicting classifications (1 of 4 stars). 3 submissions from 3 submitters: Uncertain significance (2); Likely benign (1). Last evaluated 2025-08-16.

Conditions:
Dilated cardiomyopathy 3B (CMD3B). Also called: CMD3B: DMD-Related Dilated Cardiomyopathy; CARDIOMYOPATHY, DILATED, X-LINKED; DMD-Associated Dilated Cardiomyopathy. Identifiers: Orphanet 154, MedGen C3668940, MONDO:0010542, OMIM 302045.
Becker muscular dystrophy (BMD). Also called: Becker Muscular Dystrophy (BMD); MUSCULAR DYSTROPHY, PSEUDOHYPERTROPHIC PROGRESSIVE, BECKER TYPE. Identifiers: Orphanet 98895, MedGen C0917713, MONDO:0010311, OMIM 300376.
Duchenne muscular dystrophy (DMD). Also called: Duchenne Muscular Dystrophy (DMD); MUSCULAR DYSTROPHY, PSEUDOHYPERTROPHIC PROGRESSIVE, DUCHENNE TYPE. Identifiers: Orphanet 98896, MedGen C0013264, MONDO:0010679, OMIM 310200.
Cardiovascular phenotype. Identifiers: MedGen CN230736.

Allele frequency attached by ClinVar (database versions not stated): gnomAD 0.00001; gnomAD exomes 0.00001 and 0.00002; TOPMed 0.00001; ExAC 0.00003.
gnomAD v4.1: 15 of 1,209,151 alleles (0.0012%); highest among the groups gnomAD compares: Admixed American, 0.0066%; no homozygotes.

Submissions (3):

Labcorp Genetics (formerly Invitae), Labcorp
Classification: Uncertain significance for Duchenne muscular dystrophy. Last evaluated: 2025-08-16. Review status: criteria provided, single submitter. Criteria: Invitae Variant Classification Sherloc (09022015). Collection method: clinical testing. Allele origin: germline.
Comment: This sequence change replaces valine, which is neutral and non-polar, with methionine, which is neutral and non-polar, at codon 1716 of the DMD protein (p.Val1716Met). This variant is present in population databases (rs748814615, gnomAD 0.02%). This variant has not been reported in the literature in individuals affected with DMD-related conditions. ClinVar contains an entry for this variant (Variation ID: 1487806). Invitae Evidence Modeling of protein sequence and biophysical properties (such as structural, functional, and spatial information, amino acid conservation, physicochemical variation, residue mobility, and thermodynamic stability) indicates that this missense variant is not expected to disrupt DMD protein function with a negative predictive value of 95%. In summary, the available evidence is currently insufficient to determine the role of this variant in disease. Therefore, it has been classified as a Variant of Uncertain Significance.

Ambry Genetics
Classification: Likely benign for Cardiovascular phenotype. Last evaluated: 2024-06-01. Review status: criteria provided, single submitter. Criteria: Ambry Variant Classification Scheme 2023. Collection method: clinical testing. Allele origin: germline.

Fulgent Genetics
Classification: Uncertain significance for Becker muscular dystrophy; Dilated cardiomyopathy 3B; Duchenne muscular dystrophy. Last evaluated: 2021-11-01. Review status: criteria provided, single submitter. Criteria: ACMG Guidelines, 2015. Collection method: clinical testing. Allele origin: unknown.

NM_004006.3(DMD):c.5146G>A (p.Val1716Met)

Gene: DMD (dystrophin; minus strand). Cytogenetic location: Xp21.1.
Variant type: single nucleotide variant.
Coding change: c.5146G>A on transcript NM_004006.3 (MANE Select); coding-DNA position 5146, G replaced by A.
Protein change: p.Val1716Met; replaces valine 1716 with methionine.
Molecular consequence: missense variant.
Genome position (GRCh38, 1-based): chrX:32,364,590, C>T on the plus strand (G>A on the coding strand, the complement: DMD is on the minus strand). VCF-style: chrX-32364590-C-T. GRCh37 (hg19) VCF-style: chrX-32382707-C-T.
Other names: c.5122G>A, p.Val1708Met (NM_000109.4); c.5134G>A, p.Val1712Met (NM_004009.3); c.4777G>A, p.Val1593Met (NM_004010.3); c.1123G>A, p.Val375Met (NM_004011.4); c.1114G>A, p.Val372Met (NM_004012.4); short protein forms V375M, V1712M, V1593M, V1716M, V372M, V1708M.
Identifiers: ClinVar variation 1487806 (VCV001487806.10), dbSNP rs748814615, ClinGen allele CA10378767.